The following is an entry in ClinVar:

ClinVar aggregate classification (germline): Uncertain significance (1 of 4 stars; one submission).

Conditions:
Leber congenital amaurosis 12 (LCA12). Identifiers: Orphanet 65, MedGen C1857743, MONDO:0012525, OMIM 610612.

Allele frequency attached by ClinVar (database versions not stated): gnomAD exomes 0.00001; ESP Exome Variant Server 0.00008.

Submission:

Labcorp Genetics (formerly Invitae), Labcorp
Classification: Uncertain significance for Leber congenital amaurosis 12. Last evaluated: 2022-02-03. Review status: criteria provided, single submitter. Criteria: Invitae Variant Classification Sherloc (09022015). Collection method: clinical testing. Allele origin: germline.
Comment: This sequence change replaces proline, which is neutral and non-polar, with serine, which is neutral and polar, at codon 21 of the RD3 protein (p.Pro21Ser). In summary, the available evidence is currently insufficient to determine the role of this variant in disease. Therefore, it has been classified as a Variant of Uncertain Significance. Algorithms developed to predict the effect of missense changes on protein structure and function are either unavailable or do not agree on the potential impact of this missense change (SIFT: "Deleterious"; PolyPhen-2: "Benign"; Align-GVGD: "Class C65"). This variant has not been reported in the literature in individuals affected with RD3-related conditions. This variant is not present in population databases (gnomAD no frequency).

NM_001164688.2(RD3):c.61C>T (p.Pro21Ser)

Gene: RD3 (RD3 regulator of GUCY2D; minus strand). Cytogenetic location: 1q32.3.
Variant type: single nucleotide variant.
Coding change: c.61C>T on transcript NM_001164688.2 (MANE Select); coding-DNA position 61, C replaced by T.
Protein change: p.Pro21Ser; replaces proline 21 with serine.
Molecular consequence: missense variant.
Genome position (GRCh38, 1-based): chr1:211,481,355, G>A on the plus strand (C>T on the coding strand, the complement: RD3 is on the minus strand). VCF-style: chr1-211481355-G-A. GRCh37 (hg19) VCF-style: chr1-211654697-G-A.
Other names: c.61C>T, p.Pro21Ser (NM_183059.3); short protein forms P21S.
Identifiers: ClinVar variation 1356076 (VCV001356076.8), dbSNP rs151172389, ClinGen allele CA37186517.